The following is an entry in ClinVar:

NM_001365999.1(SZT2):c.8826-2A>G

Gene: SZT2 (SZT2 subunit of KICSTOR complex; plus strand). Cytogenetic location: 1p34.2.
Variant type: single nucleotide variant.
Coding change: c.8826-2A>G on transcript NM_001365999.1 (MANE Select); the canonical splice acceptor site of the intron before coding-DNA position 8826, A replaced by G.
Molecular consequence: splice acceptor variant.
Genome position (GRCh38, 1-based): chr1:43,445,892, A>G. VCF-style: chr1-43445892-A-G. GRCh37 (hg19) VCF-style: chr1-43911563-A-G.
Other names: c.8655-2A>G (NM_015284.4).
Identifiers: ClinVar variation 280379 (VCV000280379.5), dbSNP rs886041594, ClinGen allele CA10602770.
Genomic context (GRCh38, chr1:43,445,892, plus strand): 5'-GATCACCATGACTGCATGCCACTAGCCTGCCTCATCCTCTTATCCCTCCTCCTTTTCTAT[A>G]GCACCAGCCGGCCACGGGCCATGGCTATCCTTGGAACAGAGGGTCGAGGCTCCTTCTCCT-3'

ClinVar aggregate classification (germline): Pathogenic (1 of 4 stars; one submission).

Allele frequency attached by ClinVar (database versions not stated): gnomAD exomes below 0.00001; TOPMed below 0.00001.
gnomAD v4.1: 1 of 1,614,162 alleles (0.000062%); highest among the groups gnomAD compares: Non-Finnish European, 0.000085%; no homozygotes.

Submission:

GeneDx
Classification: Pathogenic. Last evaluated: 2022-09-28. Review status: criteria provided, single submitter. Criteria: GeneDx Variant Classification Process June 2021. Collection method: clinical testing. Allele origin: germline. Affected: yes.
Comment: Canonical splice site variant in a gene for which loss-of-function is a known mechanism of disease; Not observed in large population cohorts (gnomAD); Has not been previously published as pathogenic or benign to our knowledge